The following is an entry in ClinVar:

NM_005359.6(SMAD4):c.1480G>T (p.Asp494Tyr)

Gene: SMAD4 (SMAD family member 4; plus strand). Cytogenetic location: 18q21.2.
Variant type: single nucleotide variant.
Coding change: c.1480G>T on transcript NM_005359.6 (MANE Select); coding-DNA position 1480, G replaced by T.
Protein change: p.Asp494Tyr; replaces aspartic acid 494 with tyrosine.
Molecular consequence: missense variant.
Genome position (GRCh38, 1-based): chr18:51,078,288, G>T. VCF-style: chr18-51078288-G-T. GRCh37 (hg19) VCF-style: chr18-48604658-G-T.
Other names: c.1480G>T, p.Asp494Tyr (NM_001407041.1, NM_001407042.1); short protein forms D494Y.
Identifiers: ClinVar variation 2100427 (VCV002100427.4), dbSNP rs2144478202, ClinGen allele CA402465744.

ClinVar aggregate classification (germline): Uncertain significance (1 of 4 stars; one submission).

Conditions:
Juvenile polyposis syndrome (JPS). Identifiers: Orphanet 2929, MedGen C0345893, MONDO:0017380, OMIM 174900.

Submission:

Labcorp Genetics (formerly Invitae), Labcorp
Classification: Uncertain significance for Juvenile polyposis syndrome. Last evaluated: 2021-12-16. Review status: criteria provided, single submitter. Criteria: Invitae Variant Classification Sherloc (09022015). Collection method: clinical testing. Allele origin: germline.
Comment: In summary, the available evidence is currently insufficient to determine the role of this variant in disease. Therefore, it has been classified as a Variant of Uncertain Significance. Advanced modeling of protein sequence and biophysical properties (such as structural, functional, and spatial information, amino acid conservation, physicochemical variation, residue mobility, and thermodynamic stability) performed at Invitae indicates that this missense variant is expected to disrupt SMAD4 protein function. This variant has not been reported in the literature in individuals affected with SMAD4-related conditions. This variant is not present in population databases (gnomAD no frequency). This sequence change replaces aspartic acid, which is acidic and polar, with tyrosine, which is neutral and polar, at codon 494 of the SMAD4 protein (p.Asp494Tyr).